The following is an entry in ClinVar:

ClinVar aggregate classification (germline): Pathogenic. Review status: criteria provided, multiple submitters, no conflicts (2 of 4 stars). 2 submissions from 2 submitters: Pathogenic (2). Last evaluated 2024-09-04.

Conditions:
Retinitis pigmentosa 25 (RP25). Identifiers: Orphanet 791, MedGen C1864446, MONDO:0011272, OMIM 602772.

Submissions (2):

Labcorp Genetics (formerly Invitae), Labcorp
Classification: Pathogenic. Last evaluated: 2024-09-04. Review status: criteria provided, single submitter. Criteria: Invitae Variant Classification Sherloc (09022015). Collection method: clinical testing. Allele origin: germline.
Comment: This sequence change creates a premature translational stop signal (p.Gln482*) in the EYS gene. It is expected to result in an absent or disrupted protein product. Loss-of-function variants in EYS are known to be pathogenic (PMID: 18836446, 20333770). This variant is not present in population databases (gnomAD no frequency). This variant has not been reported in the literature in individuals affected with EYS-related conditions. For these reasons, this variant has been classified as Pathogenic.

Myriad Genetics, Inc.
Classification: Pathogenic for Retinitis pigmentosa 25. Last evaluated: 2024-08-11. Review status: criteria provided, single submitter. Criteria: Myriad Autosomal Dominant, Autosomal Recessive and X-Linked Classification Criteria (2023). Collection method: clinical testing. Allele origin: unknown.
Comment: NM_001142800.1(EYS):c.1444C>T(Q482*) is expected to be pathogenic in the context of retinitis pigmentosa, EYS-related. This variant is predicted to lead to an abnormal or absent protein product due to the creation of a premature termination codon in EYS, a gene where loss-of-function variants are known to be pathogenic. Please note: this variant was assessed in the context of healthy population screening.

Literature cited by the submitters: PubMed 18836446 (cited by Labcorp Genetics (formerly Invitae), Labcorp); PubMed 20333770 (cited by Labcorp Genetics (formerly Invitae), Labcorp).

NM_001142800.2(EYS):c.1444C>T (p.Gln482Ter)

Gene: EYS (EGF-like photoreceptor maintenance factor; minus strand). Cytogenetic location: 6q12.
Variant type: single nucleotide variant.
Coding change: c.1444C>T on transcript NM_001142800.2 (MANE Select); coding-DNA position 1444, C replaced by T.
Protein change: p.Gln482Ter; replaces glutamine 482 with a stop codon.
Molecular consequence: nonsense.
Genome position (GRCh38, 1-based): chr6:65,353,473, G>A on the plus strand (C>T on the coding strand, the complement: EYS is on the minus strand). VCF-style: chr6-65353473-G-A. GRCh37 (hg19) VCF-style: chr6-66063366-G-A.
Other names: c.1444C>T, p.Gln482Ter (NM_001142801.2, NM_001292009.2, NM_198283.2); short protein forms Q482*.
Identifiers: ClinVar variation 3664536 (VCV003664536.3).